The following is an entry in ClinVar:

NM_003801.4(GPAA1):c.937C>T (p.Arg313Cys)

Gene: GPAA1 (glycosylphosphatidylinositol anchor attachment 1; plus strand). Cytogenetic location: 8q24.3.
Variant type: single nucleotide variant.
Coding change: c.937C>T on transcript NM_003801.4 (MANE Select); coding-DNA position 937, C replaced by T.
Protein change: p.Arg313Cys; replaces arginine 313 with cysteine.
Molecular consequence: missense variant.
Genome position (GRCh38, 1-based): chr8:144,084,536, C>T. VCF-style: chr8-144084536-C-T. GRCh37 (hg19) VCF-style: chr8-145139439-C-T.
Other names: short protein forms R313C.
Identifiers: ClinVar variation 1501572 (VCV001501572.8), dbSNP rs782124865, ClinGen allele CA4932976.

ClinVar aggregate classification (germline): Uncertain significance (1 of 4 stars; one submission).

Allele frequency attached by ClinVar (database versions not stated): gnomAD 0.00001; TOPMed 0.00001.

Submission:

Labcorp Genetics (formerly Invitae), Labcorp
Classification: Uncertain significance. Last evaluated: 2025-09-09. Review status: criteria provided, single submitter. Criteria: Invitae Variant Classification Sherloc (09022015). Collection method: clinical testing. Allele origin: germline.
Comment: This sequence change replaces arginine, which is basic and polar, with cysteine, which is neutral and slightly polar, at codon 313 of the GPAA1 protein (p.Arg313Cys). This variant is present in population databases (no rsID available, gnomAD 0.006%). This variant has not been reported in the literature in individuals affected with GPAA1-related conditions. ClinVar contains an entry for this variant (Variation ID: 1501572). Invitae Evidence Modeling of protein sequence and biophysical properties (such as structural, functional, and spatial information, amino acid conservation, physicochemical variation, residue mobility, and thermodynamic stability) indicates that this missense variant is not expected to disrupt GPAA1 protein function with a negative predictive value of 80%. In summary, the available evidence is currently insufficient to determine the role of this variant in disease. Therefore, it has been classified as a Variant of Uncertain Significance.